The following is an entry in ClinVar:

NM_001330078.2(NRXN1):c.2756C>T (p.Ala919Val)

Gene: NRXN1 (neurexin 1; minus strand). Cytogenetic location: 2p16.3.
Variant type: single nucleotide variant.
Coding change: c.2756C>T on transcript NM_001330078.2 (MANE Select); coding-DNA position 2756, C replaced by T.
Protein change: p.Ala919Val; replaces alanine 919 with valine.
Molecular consequence: missense variant.
Genome position (GRCh38, 1-based): chr2:50,497,456, G>A on the plus strand (C>T on the coding strand, the complement: NRXN1 is on the minus strand). VCF-style: chr2-50497456-G-A. GRCh37 (hg19) VCF-style: chr2-50724594-G-A.
Other names: c.2876C>T, p.Ala959Val (NM_001135659.3); c.2732C>T, p.Ala911Val (NM_001330077.2, NM_001330082.2); c.2690C>T, p.Ala897Val (NM_001330083.2, NM_001330084.2); c.2729C>T, p.Ala910Val (NM_001330085.2); c.2756C>T, p.Ala919Val (NM_001330086.2, NM_004801.6); c.2645C>T, p.Ala882Val (NM_001330087.2, NM_001330096.2); c.2675C>T, p.Ala892Val (NM_001330088.2); c.2753C>T, p.Ala918Val (NM_001330093.2); and 2 more; short protein forms A910V, A911V, A915V, A919V, A897V, A902V, A882V, A892V.
Identifiers: ClinVar variation 2712375 (VCV002712375.3), dbSNP rs889635116, ClinGen allele CA47360681.

ClinVar aggregate classification (germline): Uncertain significance (1 of 4 stars; one submission).

Conditions:
Pitt-Hopkins-like syndrome 2 (PTHSL2). Identifiers: Orphanet 221150, Orphanet 600663, MedGen C3280479, MONDO:0013690, OMIM 614325.

Allele frequency attached by ClinVar (database versions not stated): TOPMed below 0.00001.

Submission:

Labcorp Genetics (formerly Invitae), Labcorp
Classification: Uncertain significance for Pitt-Hopkins-like syndrome 2. Last evaluated: 2023-06-11. Review status: criteria provided, single submitter. Criteria: Invitae Variant Classification Sherloc (09022015). Collection method: clinical testing. Allele origin: germline.
Comment: This sequence change replaces alanine, which is neutral and non-polar, with valine, which is neutral and non-polar, at codon 959 of the NRXN1 protein (p.Ala959Val). This variant is not present in population databases (gnomAD no frequency). This variant has not been reported in the literature in individuals affected with NRXN1-related conditions. An algorithm developed to predict the effect of missense changes on protein structure and function (PolyPhen-2) suggests that this variant is likely to be tolerated. In summary, the available evidence is currently insufficient to determine the role of this variant in disease. Therefore, it has been classified as a Variant of Uncertain Significance.